The following is an entry in ClinVar:

NM_001005242.3(PKP2):c.397C>G (p.Gln133Glu)

Gene: PKP2 (plakophilin 2; minus strand). Cytogenetic location: 12p11.21.
Variant type: single nucleotide variant.
Coding change: c.397C>G on transcript NM_001005242.3 (MANE Select); coding-DNA position 397, C replaced by G.
Protein change: p.Gln133Glu; replaces glutamine 133 with glutamic acid.
Molecular consequence: missense variant.
Genome position (GRCh38, 1-based): chr12:32,878,483, G>C on the plus strand (C>G on the coding strand, the complement: PKP2 is on the minus strand). VCF-style: chr12-32878483-G-C. GRCh37 (hg19) VCF-style: chr12-33031417-G-C.
Other names: c.397C>G, p.Gln133Glu (NM_001407155.1, NM_001407156.1, NM_001407157.1 and 2 more transcripts); c.70C>G, p.Gln24Glu (NM_001407158.1, NM_001407159.1, NM_001407160.1 and 1 more transcripts); short protein forms Q133E, Q24E.
Identifiers: ClinVar variation 3071358 (VCV003071358.1), dbSNP rs794729132, ClinGen allele CA384365393.
Genomic context (GRCh38, chr12:32,878,483, plus strand): 5'-CAGGAGAAATCTCCAGTCTCCTCAGAGGATGCCTCAAGGACCTTTCTTCCACGGACTTCT[G>C]GGAGCTGTACTGTGCTGTTCCTCTTCCCCAGCGACCTTCATAAGTGGCAGTTGTGCCAGC-3'
Protein context (NP_001005242.2, residues 123-143): WGRGTAQYSS[Gln133Glu]KSVEERSLRH

ClinVar aggregate classification (germline): Uncertain significance (1 of 4 stars; one submission).

Conditions:
Arrhythmogenic right ventricular cardiomyopathy (ARVD). Also called: Arrhythmogenic right ventricular dysplasia; Cardiomyopathy, ARVC; Arrhythmogenic cardiomyopathy; Arrhythmogenic Right Ventricular Cardiomyopathy (ARVC). Identifiers: Orphanet 247, MedGen C0349788, MeSH D019571, MONDO:0016587. Disease mechanism: loss of function. Inheritance: Various modes of inheritance.

Allele frequency attached by ClinVar (database versions not stated): TOPMed below 0.00001.

Submission:

All of Us Research Program, National Institutes of Health
Classification: Uncertain significance for Arrhythmogenic right ventricular cardiomyopathy. Last evaluated: 2023-06-26. Review status: criteria provided, single submitter. Criteria: ACMG Guidelines, 2015. Collection method: clinical testing. Allele origin: germline. Inheritance: Autosomal dominant inheritance. Observed: 2 variant alleles, 2 heterozygotes.
Comment: This missense variant replaces glutamine with glutamic acid at codon 133 of the PKP2 protein. Computational prediction suggests that this variant may not impact protein structure and function (internally defined REVEL score threshold <= 0.5, PMID: 27666373). To our knowledge, functional studies have not been reported for this variant. This variant has not been reported in individuals affected with PKP2-related disorders in the literature. This variant has not been identified in the general population by the Genome Aggregation Database (gnomAD). The available evidence is insufficient to determine the role of this variant in disease conclusively. Therefore, this variant is classified as a Variant of Uncertain Significance.

This study involves interpretation of variants in research participants for the purpose of population health screening. Participant phenotype was not available at the time of variant classification. Additional details can be found in publication PMID: 35346344, PMCID: PMC8962531